The following is an entry in ClinVar:

NM_000214.3(JAG1):c.1349-18G>A

Gene: JAG1 (jagged canonical Notch ligand 1; minus strand). Cytogenetic location: 20p12.2.
Variant type: single nucleotide variant.
Coding change: c.1349-18G>A on transcript NM_000214.3 (MANE Select); 18 bases into the intron before coding-DNA position 1349, G replaced by A.
Molecular consequence: intron variant.
Genome position (GRCh38, 1-based): chr20:10,649,125, C>T on the plus strand (G>A on the coding strand, the complement: JAG1 is on the minus strand). VCF-style: chr20-10649125-C-T. GRCh37 (hg19) VCF-style: chr20-10629773-C-T.
Other names: c.1349-18G>A (NM_000214.2).
Identifiers: ClinVar variation 2911190 (VCV002911190.5), dbSNP rs779418088, ClinGen allele CA9764899.

ClinVar aggregate classification (germline): Likely benign. Review status: criteria provided, single submitter (1 of 4 stars). 2 submissions from 2 submitters: Likely benign (1). 1 of the submissions does not count toward it. Last evaluated 2023-03-30.

Conditions:
JAG1-related disorder. Also called: JAG1-related condition; JAG1-related disorders.
Alagille syndrome due to a JAG1 point mutation. Also called: JAG1-Related Alagille Syndrome; HEPATIC DUCTULAR HYPOPLASIA, SYNDROMATIC; Alagille Syndrome 1. Identifiers: Orphanet 261619, Orphanet 52, MedGen C1956125, MONDO:0016862, OMIM 118450.

Allele frequency attached by ClinVar (database versions not stated): gnomAD 0.00001; ExAC 0.00002.
gnomAD v4.1: 5 of 1,571,720 alleles (0.00032%); highest among the groups gnomAD compares: Middle Eastern, 0.017%; no homozygotes.

Submissions (2):

Labcorp Genetics (formerly Invitae), Labcorp
Classification: Likely benign for Alagille syndrome due to a JAG1 point mutation. Last evaluated: 2023-03-30. Review status: criteria provided, single submitter. Criteria: Invitae Variant Classification Sherloc (09022015). Collection method: clinical testing. Allele origin: germline.

PreventionGenetics, part of Exact Sciences
Classification: Likely benign for JAG1-related condition. Last evaluated: 2020-07-31. Review status: no assertion criteria provided. Collection method: clinical testing. Allele origin: germline. Not counted in ClinVar's aggregate classification.
Comment: This variant is classified as likely benign based on ACMG/AMP sequence variant interpretation guidelines (Richards et al. 2015 PMID: 25741868, with internal and published modifications).